The following is an entry in ClinVar:

ClinVar aggregate classification (germline): Uncertain significance. Review status: criteria provided, multiple submitters, no conflicts (2 of 4 stars). 6 submissions from 6 submitters: Uncertain significance (6). Last evaluated 2026-10-16.

Conditions:
Inborn genetic diseases. Identifiers: MedGen C0950123, MeSH D030342.
Cataract 41 (CTRCT41). Also called: CATARACT 41, CONGENITAL NUCLEAR TYPE. Identifiers: Orphanet 91492, Orphanet 98991, Orphanet 98992, Orphanet 98995, MedGen C3805412, MONDO:0007287, OMIM 116400.
Type 2 diabetes mellitus. Also called: Type II diabetes mellitus. Identifiers: MedGen C0011860, MeSH D003924, MONDO:0005148, OMIM 125853, HP:0005978.
Autosomal dominant nonsyndromic hearing loss 6 (LFSNHL). Also called: DEAFNESS, AUTOSOMAL DOMINANT 6; DEAFNESS, AUTOSOMAL DOMINANT 14; DEAFNESS, AUTOSOMAL DOMINANT 38; Autosomal dominant nonsyndromic deafness 6. Identifiers: Orphanet 90635, MedGen C1833021, MONDO:0010963, OMIM 600965.
Wolfram syndrome 1 (WFS1). Identifiers: Orphanet 3463, MedGen C4551693, MONDO:0009101, OMIM 222300.
Wolfram-like syndrome. Also called: HEARING LOSS, PROGRESSIVE, WITH OPTIC ATROPHY AND/OR IMPAIRED GLUCOSE REGULATION. Identifiers: Orphanet 411590, MedGen C3280358, MONDO:0013673, OMIM 614296.

Allele frequency attached by ClinVar (database versions not stated): TOPMed 0.00006; gnomAD 0.00004; gnomAD exomes 0.00006 and 0.00001.
gnomAD v4.1: 27 of 1,613,890 alleles (0.0017%); highest among the groups gnomAD compares: Admixed American, 0.04%; no homozygotes.

Submissions (6):

GeneDx
Classification: Uncertain significance. Last evaluated: 2026-10-16. Review status: criteria provided, single submitter. Criteria: GeneDx Variant Classification Process June 2021. Collection method: clinical testing. Allele origin: germline.
Comment: In silico analysis suggests that this missense variant does not alter protein structure/function; Has not been previously published as pathogenic or benign to our knowledge

Ambry Genetics
Classification: Uncertain significance for Inborn genetic diseases. Last evaluated: 2025-11-26. Review status: criteria provided, single submitter. Criteria: Ambry Variant Classification Scheme 2023. Collection method: clinical testing. Allele origin: germline.

Women's Health and Genetics/Laboratory Corporation of America, LabCorp
Classification: Uncertain significance. Last evaluated: 2025-11-18. Review status: criteria provided, single submitter. Criteria: LabCorp Variant Classification Summary - May 2015. Collection method: clinical testing. Allele origin: germline.
Comment: Variant summary: WFS1 c.1072G>C (p.Val358Leu) results in a conservative amino acid change in the encoded protein sequence. Algorithms developed to predict the effect of missense changes on protein structure and function are either unavailable or do not agree on the potential impact of this missense change. The variant allele was found at a frequency of 6e-05 in 251434 control chromosomes. This frequency is not significantly higher than estimated for disease-causing variants in WFS1, allowing no conclusion about variant significance. To our knowledge, no occurrence of c.1072G>C in individuals affected with WFS1-related conditions and no experimental evidence demonstrating its impact on protein function have been reported. ClinVar contains an entry for this variant (Variation ID: 1195529). Based on the evidence outlined above, the variant was classified as uncertain significance.

Labcorp Genetics (formerly Invitae), Labcorp
Classification: Uncertain significance. Last evaluated: 2025-09-02. Review status: criteria provided, single submitter. Criteria: Invitae Variant Classification Sherloc (09022015). Collection method: clinical testing. Allele origin: germline.
Comment: This sequence change replaces valine, which is neutral and non-polar, with leucine, which is neutral and non-polar, at codon 358 of the WFS1 protein (p.Val358Leu). This variant is present in population databases (no rsID available, gnomAD 0.04%). This variant has not been reported in the literature in individuals affected with WFS1-related conditions. ClinVar contains an entry for this variant (Variation ID: 1195529). Invitae Evidence Modeling of protein sequence and biophysical properties (such as structural, functional, and spatial information, amino acid conservation, physicochemical variation, residue mobility, and thermodynamic stability) indicates that this missense variant is not expected to disrupt WFS1 protein function with a negative predictive value of 95%. In summary, the available evidence is currently insufficient to determine the role of this variant in disease. Therefore, it has been classified as a Variant of Uncertain Significance.

Dasa
Classification: Uncertain significance. Last evaluated: 2025-01-02. Review status: criteria provided, single submitter. Criteria: DASA Assertion Criteria. Collection method: clinical testing. Allele origin: germline.
Comment: NM_006005.3(WFS1):c.1072G>C (p.Val358Leu) is a missense variant that results in the substitution of valine with leucine. This variant is rare in population databases. Computational prediction algorithms are consistent with a deleterious effect. The currently available literature and clinical evidence are not sufficient to establish a definitive association between this variant and the reported condition. Therefore, this variant is classified as a variant of uncertain significance.

Fulgent Genetics
Classification: Uncertain significance for Cataract 41; Type 2 diabetes mellitus; Wolfram syndrome 1; Autosomal dominant nonsyndromic hearing loss 6; Wolfram-like syndrome. Last evaluated: 2024-02-19. Review status: criteria provided, single submitter. Criteria: ACMG Guidelines, 2015. Collection method: clinical testing. Allele origin: germline.

NM_006005.3(WFS1):c.1072G>C (p.Val358Leu)

Gene: WFS1 (wolframin ER transmembrane glycoprotein; plus strand). Cytogenetic location: 4p16.1.
Variant type: single nucleotide variant.
Coding change: c.1072G>C on transcript NM_006005.3 (MANE Select); coding-DNA position 1072, G replaced by C.
Protein change: p.Val358Leu; replaces valine 358 with leucine.
Molecular consequence: missense variant.
Genome position (GRCh38, 1-based): chr4:6,300,867, G>C. VCF-style: chr4-6300867-G-C. GRCh37 (hg19) VCF-style: chr4-6302594-G-C.
Other names: c.1072G>C, p.Val358Leu (NM_001145853.1); short protein forms V358L.
Identifiers: ClinVar variation 1195529 (VCV001195529.15), dbSNP rs969150051, ClinGen allele CA91796225.